The following is an entry in ClinVar:

NM_004813.4(PEX16):c.459G>A (p.Pro153=)

Gene: PEX16 (peroxisomal biogenesis factor 16; minus strand). Cytogenetic location: 11p11.2.
Variant type: single nucleotide variant.
Coding change: c.459G>A on transcript NM_004813.4 (MANE Select); coding-DNA position 459, G replaced by A.
Protein change: p.Pro153=; no amino-acid change (proline 153 retained).
Molecular consequence: synonymous variant.
Genome position (GRCh38, 1-based): chr11:45,915,469, C>T on the plus strand (G>A on the coding strand, the complement: PEX16 is on the minus strand). VCF-style: chr11-45915469-C-T. GRCh37 (hg19) VCF-style: chr11-45937020-C-T.
Other names: c.459G>A, p.Pro153= (NM_057174.3).
Identifiers: ClinVar variation 1382801 (VCV001382801.3), dbSNP rs377135763, ClinGen allele CA5959972.
Genomic context (GRCh38, chr11:45,915,469, plus strand): 5'-TAAATCCTCAAGTTAGTCCCATGGCCCATTCCGCTCCAGGGCTTGGGGAAGTAGCTCACC[C>T]GGGGGCTGTGCCTGGGTCTCTCTGTCCAGTGGAACGATAGGGGGTGAAGTCTGGAGGCCA-3'
Protein context (NP_004804.2, residues 143-163): PLDRETQAQP[Pro153=]DGDHSPGNHE

ClinVar aggregate classification (germline): Uncertain significance (1 of 4 stars; one submission).

Conditions:
Peroxisome biogenesis disorder. Identifiers: Orphanet 79189, MedGen C1832200, MONDO:0019234. Disease mechanism: loss of function.

Allele frequency attached by ClinVar (database versions not stated): ExAC 0.00001; gnomAD 0.00001; ESP Exome Variant Server 0.00008.
gnomAD v4.1: 7 of 1,613,350 alleles (0.00043%); highest among the groups gnomAD compares: African/African-American, 0.0027%; no homozygotes.

Submission:

Labcorp Genetics (formerly Invitae), Labcorp
Classification: Uncertain significance for Peroxisome biogenesis disorder. Last evaluated: 2022-08-23. Review status: criteria provided, single submitter. Criteria: Invitae Variant Classification Sherloc (09022015). Collection method: clinical testing. Allele origin: germline.
Comment: This sequence change affects codon 153 of the PEX16 mRNA. It is a 'silent' change, meaning that it does not change the encoded amino acid sequence of the PEX16 protein. It affects a nucleotide within the consensus splice site. This variant is present in population databases (rs377135763, gnomAD 0.007%). This variant has not been reported in the literature in individuals affected with PEX16-related conditions. ClinVar contains an entry for this variant (Variation ID: 1382801). Algorithms developed to predict the effect of sequence changes on RNA splicing suggest that this variant is not likely to affect RNA splicing. In summary, the available evidence is currently insufficient to determine the role of this variant in disease. Therefore, it has been classified as a Variant of Uncertain Significance.